The following is an entry in ClinVar:

NM_031844.3(HNRNPU):c.226C>G (p.Gln76Glu)

Gene: HNRNPU (heterogeneous nuclear ribonucleoprotein U; minus strand). Cytogenetic location: 1q44.
Variant type: single nucleotide variant.
Coding change: c.226C>G on transcript NM_031844.3 (MANE Select); coding-DNA position 226, C replaced by G.
Protein change: p.Gln76Glu; replaces glutamine 76 with glutamic acid.
Molecular consequence: missense variant.
Genome position (GRCh38, 1-based): chr1:244,864,082, G>C on the plus strand (C>G on the coding strand, the complement: HNRNPU is on the minus strand). VCF-style: chr1-244864082-G-C. GRCh37 (hg19) VCF-style: chr1-245027384-G-C.
Other names: c.226C>G, p.Gln76Glu (NM_004501.3); short protein forms Q76E.
Identifiers: ClinVar variation 1710575 (VCV001710575.2), dbSNP rs1221183673, ClinGen allele CA345497603.

ClinVar aggregate classification (germline): Uncertain significance (1 of 4 stars; one submission).

Submission:

GeneDx
Classification: Uncertain significance. Last evaluated: 2022-04-14. Review status: criteria provided, single submitter. Criteria: GeneDx Variant Classification Process June 2021. Collection method: clinical testing. Allele origin: germline. Affected: yes.
Comment: Not observed at significant frequency in large population cohorts (gnomAD); In silico analysis supports that this missense variant does not alter protein structure/function; Has not been previously published as pathogenic or benign to our knowledge